The following is an entry in ClinVar:

NM_004281.4(BAG3):c.773G>A (p.Arg258Gln)

Gene: BAG3 (BAG cochaperone 3; plus strand). Cytogenetic location: 10q26.11.
Variant type: single nucleotide variant.
Coding change: c.773G>A on transcript NM_004281.4 (MANE Select); coding-DNA position 773, G replaced by A.
Protein change: p.Arg258Gln; replaces arginine 258 with glutamine.
Molecular consequence: missense variant.
Genome position (GRCh38, 1-based): chr10:119,672,520, G>A. VCF-style: chr10-119672520-G-A. GRCh37 (hg19) VCF-style: chr10-121432032-G-A.
Other names: short protein forms R258Q.
Identifiers: ClinVar variation 539162 (VCV000539162.7), dbSNP rs746551805, ClinGen allele CA5716408.

ClinVar aggregate classification (germline): Uncertain significance (1 of 4 stars; one submission).

Conditions:
Myofibrillar myopathy 6. Identifiers: Orphanet 199340, MedGen C2751831, MONDO:0013061, OMIM 612954.
Dilated cardiomyopathy 1HH (CMD1HH). Identifiers: Orphanet 154, MedGen C3151293, MONDO:0013479, OMIM 613881.

Allele frequency attached by ClinVar (database versions not stated): gnomAD exomes below 0.00001; TOPMed below 0.00001; ExAC 0.00002.

Submission:

Labcorp Genetics (formerly Invitae), Labcorp
Classification: Uncertain significance for Dilated cardiomyopathy 1HH; Myofibrillar myopathy 6. Last evaluated: 2025-01-06. Review status: criteria provided, single submitter. Criteria: Invitae Variant Classification Sherloc (09022015). Collection method: clinical testing. Allele origin: germline.
Comment: This sequence change replaces arginine, which is basic and polar, with glutamine, which is neutral and polar, at codon 258 of the BAG3 protein (p.Arg258Gln). This variant is present in population databases (rs746551805, gnomAD 0.003%). This variant has not been reported in the literature in individuals affected with BAG3-related conditions. ClinVar contains an entry for this variant (Variation ID: 539162). Invitae Evidence Modeling of protein sequence and biophysical properties (such as structural, functional, and spatial information, amino acid conservation, physicochemical variation, residue mobility, and thermodynamic stability) indicates that this missense variant is not expected to disrupt BAG3 protein function with a negative predictive value of 80%. In summary, the available evidence is currently insufficient to determine the role of this variant in disease. Therefore, it has been classified as a Variant of Uncertain Significance.